The following is an entry in ClinVar:

ClinVar aggregate classification (germline): Uncertain significance. Review status: criteria provided, multiple submitters, no conflicts (2 of 4 stars). 2 submissions from 2 submitters: Uncertain significance (2). Last evaluated 2025-01-31.

Conditions:
Inborn genetic diseases. Identifiers: MedGen C0950123, MeSH D030342.
Primary ciliary dyskinesia. Also called: Ciliary dyskinesia. Identifiers: Orphanet 244, MedGen C0008780, MONDO:0016575, HP:0012265.

Submissions (2):

Ambry Genetics
Classification: Uncertain significance for Inborn genetic diseases. Last evaluated: 2025-01-31. Review status: criteria provided, single submitter. Criteria: Ambry Variant Classification Scheme 2023. Collection method: clinical testing. Allele origin: germline.

Labcorp Genetics (formerly Invitae), Labcorp
Classification: Uncertain significance for Primary ciliary dyskinesia. Last evaluated: 2022-06-04. Review status: criteria provided, single submitter. Criteria: Invitae Variant Classification Sherloc (09022015). Collection method: clinical testing. Allele origin: germline.
Comment: This sequence change replaces proline, which is neutral and non-polar, with arginine, which is basic and polar, at codon 364 of the MCIDAS protein (p.Pro364Arg). This variant is not present in population databases (gnomAD no frequency). This variant has not been reported in the literature in individuals affected with MCIDAS-related conditions. Algorithms developed to predict the effect of missense changes on protein structure and function (SIFT, PolyPhen-2, Align-GVGD) all suggest that this variant is likely to be disruptive. In summary, the available evidence is currently insufficient to determine the role of this variant in disease. Therefore, it has been classified as a Variant of Uncertain Significance.

NM_001190787.3(MCIDAS):c.1091C>G (p.Pro364Arg)

Gene: MCIDAS (multiciliate differentiation and DNA synthesis associated cell cycle protein; minus strand). Cytogenetic location: 5q11.2.
Variant type: single nucleotide variant.
Coding change: c.1091C>G on transcript NM_001190787.3 (MANE Select); coding-DNA position 1091, C replaced by G.
Protein change: p.Pro364Arg; replaces proline 364 with arginine.
Molecular consequence: missense variant.
Genome position (GRCh38, 1-based): chr5:55,220,433, G>C on the plus strand (C>G on the coding strand, the complement: MCIDAS is on the minus strand). VCF-style: chr5-55220433-G-C. GRCh37 (hg19) VCF-style: chr5-54516261-G-C.
Other names: c.1091C>G (NM_001190787.1); short protein forms P364R.
Identifiers: ClinVar variation 2070574 (VCV002070574.3), dbSNP rs1288969228, ClinGen allele CA359730612.